The following is an entry in ClinVar:

NM_001378120.1(MBD5):c.3901G>C (p.Gly1301Arg)

Gene: MBD5 (methyl-CpG binding domain protein 5; plus strand). Cytogenetic location: 2q23.1.
Variant type: single nucleotide variant.
Coding change: c.3901G>C on transcript NM_001378120.1 (MANE Select); coding-DNA position 3901, G replaced by C.
Protein change: p.Gly1301Arg; replaces glycine 1301 with arginine.
Molecular consequence: missense variant.
Genome position (GRCh38, 1-based): chr2:148,489,533, G>C. VCF-style: chr2-148489533-G-C. GRCh37 (hg19) VCF-style: chr2-149247102-G-C.
Other names: c.3202G>C, p.Gly1068Arg (NM_018328.5); short protein forms G1068R, G1301R.
Identifiers: ClinVar variation 1328698 (VCV001328698.2), dbSNP rs748975545, ClinGen allele CA1900354.

ClinVar aggregate classification (germline): Uncertain significance (1 of 4 stars; one submission).

Allele frequency attached by ClinVar (database versions not stated): gnomAD exomes below 0.00001.
gnomAD v4.1: 1 of 1,614,152 alleles (0.000062%); highest among the groups gnomAD compares: Non-Finnish European, 0.000085%; no homozygotes.

Submission:

GeneDx
Classification: Uncertain significance. Last evaluated: 2021-06-17. Review status: criteria provided, single submitter. Criteria: GeneDx Variant Classification Process June 2021. Collection method: clinical testing. Allele origin: germline. Affected: yes.
Comment: Has not been previously published as pathogenic or benign to our knowledge; In silico analysis supports that this missense variant does not alter protein structure/function; Not observed at significant frequency in large population cohorts (Lek et al., 2016); This variant is associated with the following publications: (PMID: 27535533)